The following is an entry in ClinVar:

ClinVar aggregate classification (germline): Conflicting classifications of pathogenicity. Review status: criteria provided, conflicting classifications (1 of 4 stars). 2 submissions from 2 submitters: Uncertain significance (1); Benign (1). Last evaluated 2025-11-20.

Conditions:
Ovarian cancer. Also called: OVARIAN CANCER, SOMATIC. Identifiers: Orphanet 213500, MedGen C1140680, MONDO:0008170, OMIM 167000.
Neuroblastoma, susceptibility to, 3. Also called: ALK-Related Neuroblastic Tumor Susceptibility. Identifiers: Orphanet 635, MedGen C2751681, MONDO:0013083, OMIM 613014.

gnomAD v4.1: 4 of 1,614,170 alleles (0.00025%); highest among the groups gnomAD compares: East Asian, 0.0022%; no homozygotes.

Submissions (2):

Labcorp Genetics (formerly Invitae), Labcorp
Classification: Uncertain significance for Neuroblastoma, susceptibility to, 3. Last evaluated: 2025-11-20. Review status: criteria provided, single submitter. Criteria: Invitae Variant Classification Sherloc (09022015). Collection method: clinical testing. Allele origin: germline.
Comment: This sequence change replaces histidine, which is basic and polar, with glutamine, which is neutral and polar, at codon 1528 of the ALK protein (p.His1528Gln). This variant is not present in population databases (gnomAD no frequency). This variant has not been reported in the literature in individuals affected with ALK-related conditions. ClinVar contains an entry for this variant (Variation ID: 1430972). An algorithm developed to predict the effect of missense changes on protein structure and function outputs the following: PolyPhen-2: "Benign". The glutamine amino acid residue is found in multiple mammalian species, which suggests that this missense change does not adversely affect protein function. In summary, the available evidence is currently insufficient to determine the role of this variant in disease. Therefore, it has been classified as a Variant of Uncertain Significance.

Laboratory of Molecular Epidemiology of Birth Defects, West China Second University Hospital, Sichuan University
Classification: Benign for Ovarian cancer. Last evaluated: 2022-01-01. Review status: criteria provided, single submitter. Criteria: ACMG Guidelines, 2015. Collection method: clinical testing. Allele origin: germline. Affected: yes.

NM_004304.5(ALK):c.4584C>A (p.His1528Gln)

Gene: ALK (ALK receptor tyrosine kinase; minus strand). Cytogenetic location: 2p23.2.
Variant type: single nucleotide variant.
Coding change: c.4584C>A on transcript NM_004304.5 (MANE Select); coding-DNA position 4584, C replaced by A.
Protein change: p.His1528Gln; replaces histidine 1528 with glutamine.
Molecular consequence: missense variant.
Genome position (GRCh38, 1-based): chr2:29,193,503, G>T on the plus strand (C>A on the coding strand, the complement: ALK is on the minus strand). VCF-style: chr2-29193503-G-T. GRCh37 (hg19) VCF-style: chr2-29416369-G-T.
Other names: c.4584C>A (NM_004304.4); c.1380C>A, p.His460Gln (NM_001353765.2); short protein forms H460Q, H1528Q.
Identifiers: ClinVar variation 1430972 (VCV001430972.7), dbSNP rs746470148, ClinGen allele CA346460677.